The following is an entry in ClinVar:

NM_018063.5(HELLS):c.1529G>T (p.Arg510Leu)

Gene: HELLS (helicase, lymphoid specific; plus strand). Cytogenetic location: 10q23.33.
Variant type: single nucleotide variant.
Coding change: c.1529G>T on transcript NM_018063.5 (MANE Select); coding-DNA position 1529, G replaced by T.
Protein change: p.Arg510Leu; replaces arginine 510 with leucine.
Molecular consequence: missense variant.
Genome position (GRCh38, 1-based): chr10:94,590,453, G>T. VCF-style: chr10-94590453-G-T. GRCh37 (hg19) VCF-style: chr10-96350210-G-T.
Other names: c.1667G>T, p.Arg556Leu (NM_001289067.2); c.1481G>T, p.Arg494Leu (NM_001289068.2); c.1433G>T, p.Arg478Leu (NM_001289069.2); c.1235G>T, p.Arg412Leu (NM_001289070.2); c.1157G>T, p.Arg386Leu (NM_001289071.2); c.1139G>T, p.Arg380Leu (NM_001289072.2); c.1115G>T, p.Arg372Leu (NM_001289073.2); c.446G>T, p.Arg149Leu (NM_001289074.2); and 1 more; short protein forms R386L, R149L, R372L, R380L, R478L, R104L, R494L, R510L.
Identifiers: ClinVar variation 1386430 (VCV001386430.8), dbSNP rs1259193653, ClinGen allele CA377665569.

ClinVar aggregate classification (germline): Uncertain significance (1 of 4 stars; one submission).

Submission:

Labcorp Genetics (formerly Invitae), Labcorp
Classification: Uncertain significance. Last evaluated: 2020-11-03. Review status: criteria provided, single submitter. Criteria: Invitae Variant Classification Sherloc (09022015). Collection method: clinical testing. Allele origin: germline.
Comment: This variant has not been reported in the literature in individuals with HELLS-related conditions. In summary, the available evidence is currently insufficient to determine the role of this variant in disease. Therefore, it has been classified as a Variant of Uncertain Significance. Algorithms developed to predict the effect of missense changes on protein structure and function are either unavailable or do not agree on the potential impact of this missense change (SIFT: "Deleterious"; PolyPhen-2: "Probably Damaging"; Align-GVGD: "Class C0"). This variant is not present in population databases (ExAC no frequency). This sequence change replaces arginine with leucine at codon 510 of the HELLS protein (p.Arg510Leu). The arginine residue is highly conserved and there is a moderate physicochemical difference between arginine and leucine.